The following is an entry in ClinVar:

NM_198173.3(GRHL3):c.1469G>A (p.Arg490His)

Gene: GRHL3 (grainyhead like transcription factor 3; plus strand). Cytogenetic location: 1p36.11.
Variant type: single nucleotide variant.
Coding change: c.1469G>A on transcript NM_198173.3 (MANE Select); coding-DNA position 1469, G replaced by A.
Protein change: p.Arg490His; replaces arginine 490 with histidine.
Molecular consequence: missense variant.
Genome position (GRCh38, 1-based): chr1:24,346,567, G>A. VCF-style: chr1-24346567-G-A. GRCh37 (hg19) VCF-style: chr1-24673057-G-A.
Other names: c.1469G>A (NM_198173.2, NM_198174.2); c.1331G>A, p.Arg444His (NM_001195010.2); c.1484G>A, p.Arg495His (NM_021180.4); c.1469G>A, p.Arg490His (NM_198174.3); short protein forms R444H, R490H, R495H.
Identifiers: ClinVar variation 1166315 (VCV001166315.12), dbSNP rs138381915, ClinGen allele CA690254.

ClinVar aggregate classification (germline): Conflicting classifications of pathogenicity. Review status: criteria provided, conflicting classifications (1 of 4 stars). 3 submissions from 3 submitters: Uncertain significance (1); Benign (1). 1 of the submissions does not count toward it. Last evaluated 2025-05-12.

Conditions:
GRHL3-related disorder. Also called: GRHL3-related condition.
Van der Woude syndrome 2 (VWS2). Identifiers: Orphanet 888, MedGen C1847604, MONDO:0011712, OMIM 606713.
Inborn genetic diseases. Identifiers: MedGen C0950123, MeSH D030342.

Allele frequency attached by ClinVar (database versions not stated): 1000 Genomes Project 30x 0.00016; 1000 Genomes Project 0.00020; ESP Exome Variant Server 0.00023; TOPMed 0.00036; gnomAD 0.00058; gnomAD exomes 0.00083 and 0.00088; ExAC 0.00099.
gnomAD v4.1: 1,296 of 1,612,746 alleles (0.08%); highest among the groups gnomAD compares: South Asian, 0.089%; 1 homozygote.

Submissions (3):

Labcorp Genetics (formerly Invitae), Labcorp
Classification: Benign for Van der Woude syndrome 2. Last evaluated: 2025-05-12. Review status: criteria provided, single submitter. Criteria: Invitae Variant Classification Sherloc (09022015). Collection method: clinical testing. Allele origin: germline.

Ambry Genetics
Classification: Uncertain significance for Inborn genetic diseases. Last evaluated: 2021-09-01. Review status: criteria provided, single submitter. Criteria: Ambry Variant Classification Scheme 2023. Collection method: clinical testing. Allele origin: germline.

PreventionGenetics, part of Exact Sciences
Classification: Likely benign for GRHL3-related condition. Last evaluated: 2019-06-25. Review status: no assertion criteria provided. Collection method: clinical testing. Allele origin: germline. Not counted in ClinVar's aggregate classification.
Comment: This variant is classified as likely benign based on ACMG/AMP sequence variant interpretation guidelines (Richards et al. 2015 PMID: 25741868, with internal and published modifications).